The following is an entry in ClinVar:

ClinVar aggregate classification (germline): Likely benign (1 of 4 stars; one submission).

Submission:

CeGaT Center for Human Genetics Tuebingen
Classification: Likely benign. Last evaluated: 2023-10-01. Review status: criteria provided, single submitter. Criteria: CeGaT Center For Human Genetics Tuebingen Variant Classification Criteria Version 2. Collection method: clinical testing. Allele origin: germline. Affected: yes. Observed: 1 variant allele.
Comment: HCFC1: PM2:Supporting, BP4, BP7

NM_005334.3(HCFC1):c.1956A>T (p.Thr652=)

Gene: HCFC1 (host cell factor C1; minus strand). Cytogenetic location: Xq28.
Variant type: single nucleotide variant.
Coding change: c.1956A>T on transcript NM_005334.3 (MANE Select); coding-DNA position 1956, A replaced by T.
Protein change: p.Thr652=; no amino-acid change (threonine 652 retained).
Molecular consequence: synonymous variant.
Genome position (GRCh38, 1-based): chrX:153,958,097, T>A on the plus strand (A>T on the coding strand, the complement: HCFC1 is on the minus strand). VCF-style: chrX-153958097-T-A. GRCh37 (hg19) VCF-style: chrX-153223548-T-A.
Other names: c.1956A>T, p.Thr652= (NM_001410705.1).
Identifiers: ClinVar variation 2661771 (VCV002661771.24), dbSNP rs1049220449, ClinGen allele CA519703130.